The following is an entry in ClinVar:

NM_001080512.3(BICC1):c.2240T>C (p.Val747Ala)

Genes: BICC1 (BicC family RNA binding protein 1; plus strand), LOC126860938 (MED14-independent group 3 enhancer GRCh37_chr10:60566642-60567841; plus strand). Cytogenetic location: 10q21.1.
Variant type: single nucleotide variant.
Coding change: c.2240T>C on transcript NM_001080512.3 (MANE Select); coding-DNA position 2240, T replaced by C.
Protein change: p.Val747Ala; replaces valine 747 with alanine.
Molecular consequence: missense variant.
Genome position (GRCh38, 1-based): chr10:58,807,022, T>C. VCF-style: chr10-58807022-T-C. GRCh37 (hg19) VCF-style: chr10-60566782-T-C.
Other names: short protein forms V747A.
Identifiers: ClinVar variation 1304123 (VCV001304123.2), dbSNP rs1237660896, ClinGen allele CA376979288.

ClinVar aggregate classification (germline): Uncertain significance (1 of 4 stars; one submission).

Allele frequency attached by ClinVar (database versions not stated): gnomAD exomes below 0.00001; TOPMed below 0.00001.
gnomAD v4.1: 1 of 1,613,238 alleles (0.000062%); highest among the groups gnomAD compares: Admixed American, 0.0017%; no homozygotes.

Submission:

GeneDx
Classification: Uncertain significance. Last evaluated: 2019-12-11. Review status: criteria provided, single submitter. Criteria: GeneDx Variant Classification Process June 2021. Collection method: clinical testing. Allele origin: germline. Affected: yes.
Comment: Not observed at a significant frequency in large population cohorts (Lek et al., 2016); In silico analysis, which includes protein predictors and evolutionary conservation, supports that this variant does not alter protein structure/function; Has not been previously published as pathogenic or benign to our knowledge